The following is an entry in ClinVar:

ClinVar aggregate classification (germline): Uncertain significance (1 of 4 stars; one submission).

Submission:

Labcorp Genetics (formerly Invitae), Labcorp
Classification: Uncertain significance. Last evaluated: 2022-07-26. Review status: criteria provided, single submitter. Criteria: Invitae Variant Classification Sherloc (09022015). Collection method: clinical testing. Allele origin: germline.
Comment: This variant has not been reported in the literature in individuals affected with COL7A1-related conditions. This variant is present in population databases (rs747844780, gnomAD 0.004%). This sequence change replaces asparagine, which is neutral and polar, with lysine, which is basic and polar, at codon 2151 of the COL7A1 protein (p.Asn2151Lys). ClinVar contains an entry for this variant (Variation ID: 1421982). In summary, the available evidence is currently insufficient to determine the role of this variant in disease. Therefore, it has been classified as a Variant of Uncertain Significance. Advanced modeling of protein sequence and biophysical properties (such as structural, functional, and spatial information, amino acid conservation, physicochemical variation, residue mobility, and thermodynamic stability) performed at Invitae indicates that this missense variant is not expected to disrupt COL7A1 protein function.

NM_000094.4(COL7A1):c.6453C>A (p.Asn2151Lys)

Gene: COL7A1 (collagen type VII alpha 1 chain; minus strand). Cytogenetic location: 3p21.31.
Variant type: single nucleotide variant.
Coding change: c.6453C>A on transcript NM_000094.4 (MANE Select); coding-DNA position 6453, C replaced by A.
Protein change: p.Asn2151Lys; replaces asparagine 2151 with lysine.
Molecular consequence: missense variant.
Genome position (GRCh38, 1-based): chr3:48,574,491, G>T on the plus strand (C>A on the coding strand, the complement: COL7A1 is on the minus strand). VCF-style: chr3-48574491-G-T. GRCh37 (hg19) VCF-style: chr3-48611924-G-T.
Other names: short protein forms N2151K.
Identifiers: ClinVar variation 1421982 (VCV001421982.6), dbSNP rs747844780, ClinGen allele CA2379042.